The following is an entry in ClinVar:

NM_024422.6(DSC2):c.2012G>A (p.Cys671Tyr)

Gene: DSC2 (desmocollin 2; minus strand). Cytogenetic location: 18q12.1.
Variant type: single nucleotide variant.
Coding change: c.2012G>A on transcript NM_024422.6 (MANE Select); coding-DNA position 2012, G replaced by A.
Protein change: p.Cys671Tyr; replaces cysteine 671 with tyrosine.
Molecular consequence: missense variant.
Genome position (GRCh38, 1-based): chr18:31,071,718, C>T on the plus strand (G>A on the coding strand, the complement: DSC2 is on the minus strand). VCF-style: chr18-31071718-C-T. GRCh37 (hg19) VCF-style: chr18-28651684-C-T.
Other names: c.1583G>A, p.Cys528Tyr (NM_001406506.1, NM_001406507.1); c.2012G>A, p.Cys671Tyr (NM_004949.5); short protein forms C528Y, C671Y.
Identifiers: ClinVar variation 1941191 (VCV001941191.6), dbSNP rs1379363944, ClinGen allele CA402113147.

ClinVar aggregate classification (germline): Uncertain significance. Review status: criteria provided, multiple submitters, no conflicts (2 of 4 stars). 2 submissions from 2 submitters: Uncertain significance (2). Last evaluated 2023-02-24.

Conditions:
Familial isolated arrhythmogenic right ventricular dysplasia. Identifiers: Orphanet 217656, MedGen C4274968, MONDO:0016342.
Arrhythmogenic right ventricular dysplasia 11. Also called: Arrhythmogenic Right Ventricular Dysplasia/Cardiomyopathy11; ARRHYTHMOGENIC RIGHT VENTRICULAR DYSPLASIA, FAMILIAL, 11; Arrhythmogenic right ventricular dysplasia 11 with mild palmoplantar keratoderma and woolly hair. Identifiers: MedGen C1864850, MONDO:0012506, OMIM 610476.

Allele frequency attached by ClinVar (database versions not stated): TOPMed below 0.00001.
gnomAD v4.1: 2 of 1,613,982 alleles (0.00012%); highest among the groups gnomAD compares: Admixed American, 0.0017%; no homozygotes.

Submissions (2):

All of Us Research Program, National Institutes of Health
Classification: Uncertain significance for Familial isolated arrhythmogenic right ventricular dysplasia. Last evaluated: 2023-02-24. Review status: criteria provided, single submitter. Criteria: ACMG Guidelines, 2015. Collection method: clinical testing. Allele origin: germline. Inheritance: Autosomal dominant inheritance. Observed: 1 variant allele, 1 heterozygote.
Comment: This missense variant replaces cysteine with tyrosine at codon 671 of the DSC2 protein. Computational prediction is inconclusive regarding the impact of this variant on protein structure and function (internally defined REVEL score threshold 0.5 < inconclusive < 0.7, PMID: 27666373). To our knowledge, functional studies have not been reported for this variant. This variant has not been reported in individuals affected with DSC2-related disorders in the literature. This variant has been identified in 2/250616 chromosomes in the general population by the Genome Aggregation Database (gnomAD). The available evidence is insufficient to determine the role of this variant in disease conclusively. Therefore, this variant is classified as a Variant of Uncertain Significance.

This study involves interpretation of variants in research participants for the purpose of population health screening. Participant phenotype was not available at the time of variant classification. Additional details can be found in publication PMID: 35346344, PMCID: PMC8962531

Labcorp Genetics (formerly Invitae), Labcorp
Classification: Uncertain significance for Arrhythmogenic right ventricular dysplasia 11. Last evaluated: 2022-06-11. Review status: criteria provided, single submitter. Criteria: Invitae Variant Classification Sherloc (09022015). Collection method: clinical testing. Allele origin: germline.
Comment: Algorithms developed to predict the effect of missense changes on protein structure and function (SIFT, PolyPhen-2, Align-GVGD) all suggest that this variant is likely to be disruptive. In summary, the available evidence is currently insufficient to determine the role of this variant in disease. Therefore, it has been classified as a Variant of Uncertain Significance. This variant is present in population databases (no rsID available, gnomAD 0.01%). This sequence change replaces cysteine, which is neutral and slightly polar, with tyrosine, which is neutral and polar, at codon 671 of the DSC2 protein (p.Cys671Tyr). This variant has not been reported in the literature in individuals affected with DSC2-related conditions.